The following is an entry in ClinVar:

NM_173348.2(FAM149B1):c.1610C>T (p.Thr537Ile)

Genes: DNAJC9 (DnaJ heat shock protein family (Hsp40) member C9; minus strand), FAM149B1 (family with sequence similarity 149 member B1; plus strand). Cytogenetic location: 10q22.2.
Variant type: single nucleotide variant.
Coding change: c.1610C>T on transcript NM_173348.2 (MANE Select); coding-DNA position 1610, C replaced by T.
Protein change: p.Thr537Ile; replaces threonine 537 with isoleucine.
Molecular consequence: missense variant.
Genome position (GRCh38, 1-based): chr10:73,239,319, C>T. VCF-style: chr10-73239319-C-T. GRCh37 (hg19) VCF-style: chr10-74999077-C-T.
Other names: short protein forms T537I.
Identifiers: ClinVar variation 3342802 (VCV003342802.3).
Genomic context (GRCh38, chr10:73,239,319, plus strand): 5'-TATCCTTTGTGAGAAGATGCATCATAAGAAGTGTCTCCTCTTTTGTCTTGTAGCTGGATA[C>T]ACAGTATCGTCGCTCATGTGCAGTTGAGTATCCTCATCAGGCCCGACCTGGCAGGGGATC-3'
Protein context (NP_775483.1, residues 527-547): PNTTQSFLLD[Thr537Ile]QYRRSCAVEY

ClinVar aggregate classification (germline): Conflicting classifications of pathogenicity. Review status: criteria provided, conflicting classifications (1 of 4 stars). 2 submissions from 2 submitters: Uncertain significance (1); Likely benign (1). Last evaluated 2026-08-17.

Conditions:
FAM149B1-related disorder. Also called: FAM149B1-related condition.

gnomAD v4.1: 195 of 1,551,520 alleles (0.013%); highest among the groups gnomAD compares: African/African-American, 0.25%; 2 homozygotes.

Submissions (2):

PreventionGenetics, part of Exact Sciences
Classification: Likely benign for FAM149B1-related condition. Last evaluated: 2026-08-17. Review status: criteria provided, single submitter. Criteria: ACMG Guidelines, 2015. Collection method: clinical testing. Allele origin: germline.
Comment: This variant is classified as likely benign based on ACMG/AMP sequence variant interpretation guidelines (Richards et al. 2015 PMID: 25741868, with internal and published modifications).

GeneDx
Classification: Uncertain significance. Last evaluated: 2026-05-30. Review status: criteria provided, single submitter. Criteria: GeneDx Variant Classification Process June 2021. Collection method: clinical testing. Allele origin: germline.
Comment: In silico analysis supports that this missense variant has a deleterious effect on protein structure/function; Has not been previously published as pathogenic or benign to our knowledge